The following is an entry in ClinVar:

ClinVar aggregate classification (germline): Uncertain significance (1 of 4 stars; one submission).

Conditions:
Arterial tortuosity syndrome (ATORS). Identifiers: Orphanet 3342, MedGen C1859726, MONDO:0008818, OMIM 208050.

gnomAD v4.1: 4 of 1,613,978 alleles (0.00025%); highest among the groups gnomAD compares: Non-Finnish European, 0.00034%; no homozygotes.

Submission:

Labcorp Genetics (formerly Invitae), Labcorp
Classification: Uncertain significance for Arterial tortuosity syndrome. Last evaluated: 2024-11-19. Review status: criteria provided, single submitter. Criteria: Invitae Variant Classification Sherloc (09022015). Collection method: clinical testing. Allele origin: germline.
Comment: This sequence change replaces glycine, which is neutral and non-polar, with cysteine, which is neutral and slightly polar, at codon 210 of the SLC2A10 protein (p.Gly210Cys). This variant is not present in population databases (gnomAD no frequency). This variant has not been reported in the literature in individuals affected with SLC2A10-related conditions. Invitae Evidence Modeling of protein sequence and biophysical properties (such as structural, functional, and spatial information, amino acid conservation, physicochemical variation, residue mobility, and thermodynamic stability) indicates that this missense variant is not expected to disrupt SLC2A10 protein function with a negative predictive value of 95%. In summary, the available evidence is currently insufficient to determine the role of this variant in disease. Therefore, it has been classified as a Variant of Uncertain Significance.

NM_030777.4(SLC2A10):c.628G>T (p.Gly210Cys)

Gene: SLC2A10 (solute carrier family 2 member 10; plus strand). Cytogenetic location: 20q13.12.
Variant type: single nucleotide variant.
Coding change: c.628G>T on transcript NM_030777.4 (MANE Select); coding-DNA position 628, G replaced by T.
Protein change: p.Gly210Cys; replaces glycine 210 with cysteine.
Molecular consequence: missense variant.
Genome position (GRCh38, 1-based): chr20:46,725,664, G>T. VCF-style: chr20-46725664-G-T. GRCh37 (hg19) VCF-style: chr20-45354303-G-T.
Other names: short protein forms G210C.
Identifiers: ClinVar variation 3707730 (VCV003707730.1).